The following is an entry in ClinVar:

NM_025114.4(CEP290):c.5828del (p.Gln1942_Leu1943insTer)

Gene: CEP290 (centrosomal protein 290; minus strand). Cytogenetic location: 12q21.32.
Variant type: Deletion.
Coding change: c.5828del on transcript NM_025114.4 (MANE Select); coding-DNA position 5828, one base deleted (T; older notation c.5828delT).
Protein change: p.Gln1942_Leu1943insTer.
Molecular consequence: nonsense.
Genome position (GRCh38, 1-based): chr12:88,071,808, A deleted on the plus strand (T on the coding strand, the reverse complement: CEP290 is on the minus strand); the first of 2 consecutive A bases (chr12:88,071,808-88,071,809); deleting either gives the same sequence. VCF-style (leftmost placement, unchanged base first): chr12-88071807-CA-C. GRCh37 (hg19) VCF-style: chr12-88465584-CA-C.
Identifiers: ClinVar variation 2118764 (VCV002118764.4), dbSNP rs2499740973, ClinGen allele CA2580086703.

ClinVar aggregate classification (germline): Pathogenic (1 of 4 stars; one submission).

Conditions:
Joubert syndrome. Also called: CEREBELLOPARENCHYMAL DISORDER IV; JOUBERT-BOLTSHAUSER SYNDROME; Familial aplasia of the vermis. Identifiers: Orphanet 475, MedGen C5979921, MONDO:0018772.
Nephronophthisis. Also called: Juvenile Nephronophthisis. Identifiers: Orphanet 655, MedGen C0687120, MONDO:0019005, HP:0000090.
Meckel-Gruber syndrome. Also called: DYSENCEPHALIA SPLANCHNOCYSTICA; GRUBER SYNDROME; Dysencephalia splachnocystica. Identifiers: Orphanet 564, MedGen C0265215, MONDO:0018921.

Submission:

Labcorp Genetics (formerly Invitae), Labcorp
Classification: Pathogenic for Joubert syndrome; Meckel-Gruber syndrome; Nephronophthisis. Last evaluated: 2022-03-28. Review status: criteria provided, single submitter. Criteria: Invitae Variant Classification Sherloc (09022015). Collection method: clinical testing. Allele origin: germline.
Comment: For these reasons, this variant has been classified as Pathogenic. This variant has not been reported in the literature in individuals affected with CEP290-related conditions. This variant is not present in population databases (gnomAD no frequency). This sequence change creates a premature translational stop signal (p.Leu1943*) in the CEP290 gene. It is expected to result in an absent or disrupted protein product. Loss-of-function variants in CEP290 are known to be pathogenic (PMID: 16909394, 17345604, 20690115).

Literature cited by the submitters: PubMed 16909394; PubMed 17345604; PubMed 20690115.